The following is an entry in ClinVar:

NM_001042545.2(LTBP4):c.1349G>A (p.Arg450Gln)

Gene: LTBP4 (latent transforming growth factor beta binding protein 4; plus strand). Cytogenetic location: 19q13.2.
Variant type: single nucleotide variant.
Coding change: c.1349G>A on transcript NM_001042545.2 (MANE Select); coding-DNA position 1349, G replaced by A.
Protein change: p.Arg450Gln; replaces arginine 450 with glutamine.
Molecular consequence: missense variant.
Genome position (GRCh38, 1-based): chr19:40,608,526, G>A. VCF-style: chr19-40608526-G-A. GRCh37 (hg19) VCF-style: chr19-41114432-G-A.
Other names: c.1550G>A, p.Arg517Gln (NM_001042544.1); c.1439G>A, p.Arg480Gln (NM_003573.2); short protein forms R450Q, R480Q, R517Q.
Identifiers: ClinVar variation 1312975 (VCV001312975.2), dbSNP rs759437621, ClinGen allele CA9448285.

ClinVar aggregate classification (germline): Uncertain significance (1 of 4 stars; one submission).

Allele frequency attached by ClinVar (database versions not stated): gnomAD exomes below 0.00001 and 0.00001; TOPMed below 0.00001; ExAC 0.00003.

Submission:

GeneDx
Classification: Uncertain significance. Last evaluated: 2020-07-02. Review status: criteria provided, single submitter. Criteria: GeneDx Variant Classification Process June 2021. Collection method: clinical testing. Allele origin: germline. Affected: yes.
Comment: Not observed at a significant frequency in large population cohorts (Lek et al., 2016); In silico analysis supports that this missense variant does not alter protein structure/function; Has not been previously published as pathogenic or benign to our knowledge